The following is an entry in ClinVar:

NM_018245.3(OGDHL):c.672G>A (p.Lys224=)

Gene: OGDHL (oxoglutarate dehydrogenase L; minus strand). Cytogenetic location: 10q11.23.
Variant type: single nucleotide variant.
Coding change: c.672G>A on transcript NM_018245.3 (MANE Select); coding-DNA position 672, G replaced by A.
Protein change: p.Lys224=; no amino-acid change (lysine 224 retained).
Molecular consequence: synonymous variant. On other transcripts: 5 prime UTR variant (1), non-coding transcript variant (5).
Genome position (GRCh38, 1-based): chr10:49,751,904, C>T on the plus strand (G>A on the coding strand, the complement: OGDHL is on the minus strand). VCF-style: chr10-49751904-C-T. GRCh37 (hg19) VCF-style: chr10-50959950-C-T.
Other names: c.501G>A, p.Lys167= (NM_001143996.2, NM_001347820.1); c.45G>A, p.Lys15= (NM_001143997.2, NM_001347821.2, NM_001347822.1 and 1 more transcripts); c.672G>A, p.Lys224= (NM_001347819.1, NM_001347823.1, NM_001347824.2); c.-255G>A (NM_001347826.1).
Identifiers: ClinVar variation 3049211 (VCV003049211.3), dbSNP rs139888177, ClinGen allele CA5498837.

ClinVar aggregate classification (germline): Likely benign. Review status: criteria provided, single submitter (1 of 4 stars). 2 submissions from 2 submitters: Likely benign (1). 1 of the submissions does not count toward it. Last evaluated 2024-11-11.

Conditions:
OGDHL-related disorder. Also called: OGDHL-related condition.

Allele frequency attached by ClinVar (database versions not stated): 1000 Genomes Project 30x 0.00062; 1000 Genomes Project 0.00080; ESP Exome Variant Server 0.00108.

Submissions (2):

Blueprint Genetics
Classification: Likely benign. Last evaluated: 2024-11-11. Review status: criteria provided, single submitter. Criteria: ACMG Guidelines, 2015. Collection method: clinical testing. Allele origin: germline.

PreventionGenetics, part of Exact Sciences
Classification: Likely benign for OGDHL-related condition. Last evaluated: 2019-11-25. Review status: no assertion criteria provided. Collection method: clinical testing. Allele origin: germline. Not counted in ClinVar's aggregate classification.
Comment: This variant is classified as likely benign based on ACMG/AMP sequence variant interpretation guidelines (Richards et al. 2015 PMID: 25741868, with internal and published modifications).